The following is an entry in ClinVar:

NM_001042517.2(DIAPH3):c.598C>T (p.Arg200Ter)

Genes: DIAPH3 (diaphanous related formin 3; minus strand), DIAPH3-AS1 (DIAPH3 antisense RNA 1; plus strand). Cytogenetic location: 13q21.2.
Variant type: single nucleotide variant.
Coding change: c.598C>T on transcript NM_001042517.2 (MANE Select); coding-DNA position 598, C replaced by T.
Protein change: p.Arg200Ter; replaces arginine 200 with a stop codon.
Molecular consequence: nonsense. On other transcripts: non-coding transcript variant (4).
Genome position (GRCh38, 1-based): chr13:60,042,718, G>A on the plus strand (C>T on the coding strand, the complement: DIAPH3 is on the minus strand). VCF-style: chr13-60042718-G-A. GRCh37 (hg19) VCF-style: chr13-60616852-G-A.
Other names: c.565C>T, p.Arg189Ter (NM_001258366.2); c.460C>T, p.Arg154Ter (NM_001258367.2); c.388C>T, p.Arg130Ter (NM_001258368.2); c.598C>T, p.Arg200Ter (NM_001258369.2); short protein forms R130*, R154*, R189*, R200*.
Identifiers: ClinVar variation 2440785 (VCV002440785.4), dbSNP rs781626494, ClinGen allele CA6996971.

ClinVar aggregate classification (germline): Uncertain significance. Review status: criteria provided, multiple submitters, no conflicts (2 of 4 stars). 2 submissions from 2 submitters: Uncertain significance (2). Last evaluated 2026-02-18.

Conditions:
DIAPH3-related disorder. Also called: DIAPH3-related condition.
Autosomal dominant auditory neuropathy 1. Also called: AUDITORY NEUROPATHY, NONSYNDROMIC DOMINANT. Identifiers: Orphanet 90635, MedGen C1836743, MONDO:0012196, OMIM 609129.

Allele frequency attached by ClinVar (database versions not stated): gnomAD exomes 0.00002; ExAC 0.00003; gnomAD 0.00003; TOPMed 0.00004.

Submissions (2):

PreventionGenetics, part of Exact Sciences
Classification: Uncertain significance for DIAPH3-related condition. Last evaluated: 2026-02-18. Review status: criteria provided, single submitter. Criteria: ACMG Guidelines, 2015. Collection method: clinical testing. Allele origin: germline.
Comment: The DIAPH3 c.598C>T variant is predicted to result in premature protein termination (p.Arg200*). To our knowledge, this variant has not been reported in the literature. This variant is reported in 0.017% of alleles in individuals of East Asian descent in gnomAD. Loss-of-function has not been established as a disease mechanism for this gene, and therefore the clinical significance of this variant is currently uncertain due to the absence of conclusive functional and genetic evidence.

Revvity Omics, Revvity
Classification: Uncertain significance for Autosomal dominant auditory neuropathy 1. Last evaluated: 2019-07-19. Review status: criteria provided, single submitter. Criteria: ACMG Guidelines, 2015. Collection method: clinical testing. Allele origin: germline.